The following is an entry in ClinVar:

NM_004655.4(AXIN2):c.1957C>T (p.Pro653Ser)

Gene: AXIN2 (axin 2; minus strand). Cytogenetic location: 17q24.1.
Variant type: single nucleotide variant.
Coding change: c.1957C>T on transcript NM_004655.4 (MANE Select); coding-DNA position 1957, C replaced by T.
Protein change: p.Pro653Ser; replaces proline 653 with serine.
Molecular consequence: missense variant.
Genome position (GRCh38, 1-based): chr17:65,536,504, G>A on the plus strand (C>T on the coding strand, the complement: AXIN2 is on the minus strand). VCF-style: chr17-65536504-G-A. GRCh37 (hg19) VCF-style: chr17-63532622-G-A.
Other names: c.1762C>T, p.Pro588Ser (NM_001363813.1); short protein forms P588S, P653S.
Identifiers: ClinVar variation 1014382 (VCV001014382.12), dbSNP rs2043920614, ClinGen allele CA400676260.

ClinVar aggregate classification (germline): Uncertain significance. Review status: criteria provided, multiple submitters, no conflicts (2 of 4 stars). 2 submissions from 2 submitters: Uncertain significance (2). Last evaluated 2026-01-10.

Conditions:
Oligodontia-cancer predisposition syndrome. Also called: TOOTH AGENESIS-COLORECTAL CANCER SYNDROME. Identifiers: Orphanet 300576, MedGen C1837750, MONDO:0012075, OMIM 608615. Disease mechanism: loss of function.

Submissions (2):

Labcorp Genetics (formerly Invitae), Labcorp
Classification: Uncertain significance for Oligodontia-cancer predisposition syndrome. Last evaluated: 2026-01-10. Review status: criteria provided, single submitter. Criteria: Invitae Variant Classification Sherloc (09022015). Collection method: clinical testing. Allele origin: germline.
Comment: This sequence change replaces proline, which is neutral and non-polar, with serine, which is neutral and polar, at codon 653 of the AXIN2 protein (p.Pro653Ser). This variant is not present in population databases (gnomAD no frequency). This variant has not been reported in the literature in individuals affected with AXIN2-related conditions. ClinVar contains an entry for this variant (Variation ID: 1014382). An algorithm developed to predict the effect of missense changes on protein structure and function outputs the following: PolyPhen-2: "Benign". The serine amino acid residue is found in multiple mammalian species, which suggests that this missense change does not adversely affect protein function. In summary, the available evidence is currently insufficient to determine the role of this variant in disease. Therefore, it has been classified as a Variant of Uncertain Significance.

GeneDx
Classification: Uncertain significance. Last evaluated: 2019-11-04. Review status: criteria provided, single submitter. Criteria: GeneDx Variant Classification Process June 2021. Collection method: clinical testing. Allele origin: germline. Affected: yes.
Comment: Not observed in large population cohorts (Lek et al., 2016); In silico analysis, which includes protein predictors and evolutionary conservation, supports that this variant does not alter protein structure/function; Has not been previously published as pathogenic or benign to our knowledge